The following is an entry in ClinVar:

ClinVar aggregate classification (germline): Pathogenic (1 of 4 stars; one submission).

Allele frequency attached by ClinVar (database versions not stated): gnomAD exomes below 0.00001; TOPMed below 0.00001; ExAC 0.00001; ESP Exome Variant Server 0.00008.
gnomAD v4.1: 5 of 1,613,424 alleles (0.00031%); highest among the groups gnomAD compares: South Asian, 0.0011%; no homozygotes.

Submission:

Labcorp Genetics (formerly Invitae), Labcorp
Classification: Pathogenic. Last evaluated: 2024-12-08. Review status: criteria provided, single submitter. Criteria: Invitae Variant Classification Sherloc (09022015). Collection method: clinical testing. Allele origin: germline.
Comment: This sequence change creates a premature translational stop signal (p.Arg1256*) in the COL4A2 gene. It is expected to result in an absent or disrupted protein product. Loss-of-function variants in COL4A2 are known to be pathogenic (PMID: 22333902, 30315939). This variant is present in population databases (rs374366470, gnomAD 0.003%). This premature translational stop signal has been observed in individual(s) with clinical features of COL4A2-related conditions (PMID: 30859180). ClinVar contains an entry for this variant (Variation ID: 1952299). For these reasons, this variant has been classified as Pathogenic.

Literature cited by the submitters: PubMed 22333902; PubMed 30315939; PubMed 30859180.

NM_001846.4(COL4A2):c.3766C>T (p.Arg1256Ter)

Gene: COL4A2 (collagen type IV alpha 2 chain; plus strand). Cytogenetic location: 13q34.
Variant type: single nucleotide variant.
Coding change: c.3766C>T on transcript NM_001846.4 (MANE Select); coding-DNA position 3766, C replaced by T.
Protein change: p.Arg1256Ter; replaces arginine 1256 with a stop codon.
Molecular consequence: nonsense.
Genome position (GRCh38, 1-based): chr13:110,501,673, C>T. VCF-style: chr13-110501673-C-T. GRCh37 (hg19) VCF-style: chr13-111154020-C-T.
Other names: short protein forms R1256*.
Identifiers: ClinVar variation 1952299 (VCV001952299.5), dbSNP rs374366470, ClinGen allele CA7050324.